The following is an entry in ClinVar:

ClinVar aggregate classification (germline): Likely benign. Review status: criteria provided, single submitter (1 of 4 stars). 2 submissions from 2 submitters: Likely benign (1). 1 of the submissions does not count toward it. Last evaluated 2026-06-01.

Conditions:
NRG1-related disorder. Also called: NRG1-related condition.

Allele frequency attached by ClinVar (database versions not stated): 1000 Genomes Project 30x 0.00375; 1000 Genomes Project 0.00379; ESP Exome Variant Server 0.00654.
gnomAD v4.1: 14,924 of 1,614,026 alleles (0.92%); highest among the groups gnomAD compares: Middle Eastern, 2.8%; 95 homozygotes.

Submissions (2):

CeGaT Center for Human Genetics Tuebingen
Classification: Likely benign. Last evaluated: 2026-06-01. Review status: criteria provided, single submitter. Criteria: CeGaT Center For Human Genetics Tuebingen Variant Classification Criteria Version 2. Collection method: clinical testing. Allele origin: germline. Affected: yes. Observed: 7 variant alleles.
Comment: NRG1: BP4, BS2

PreventionGenetics, part of Exact Sciences
Classification: Benign for NRG1-related condition. Last evaluated: 2019-02-26. Review status: no assertion criteria provided. Collection method: clinical testing. Allele origin: germline. Not counted in ClinVar's aggregate classification.
Comment: This variant is classified as benign based on ACMG/AMP sequence variant interpretation guidelines (Richards et al. 2015 PMID: 25741868, with internal and published modifications).

NM_013964.5(NRG1):c.502+31211G>C

Gene: NRG1 (neuregulin 1; plus strand). Cytogenetic location: 8p12.
Variant type: single nucleotide variant.
Coding change: c.502+31211G>C on transcript NM_013964.5 (MANE Select); 31211 bases into the intron after coding-DNA position 502, G replaced by C.
Molecular consequence: intron variant. On other transcripts: missense variant (4).
Genome position (GRCh38, 1-based): chr8:32,648,096, G>C. VCF-style: chr8-32648096-G-C. GRCh37 (hg19) VCF-style: chr8-32505615-G-C.
Other names: c.379G>C, p.Ala127Pro (NM_001322205.2, NM_001322206.2, NM_001322207.2 and 1 more transcripts); c.439+31211G>C (NM_001159999.3); c.388+33532G>C (NM_001159995.3); c.-205+33532G>C (NM_001322201.2); c.337+42413G>C (NM_001160001.3); c.-205+42413G>C (NM_001322202.2); c.1045+42413G>C (NM_013962.3); c.502+31211G>C (NM_013960.5, NM_013956.5, NM_001160004.3 and 4 more transcripts); and 3 more; short protein forms A127P.
Identifiers: ClinVar variation 2658528 (VCV002658528.25), dbSNP rs34822181, ClinGen allele CA4705684.
Genomic context (GRCh38, chr8:32,648,096, plus strand): 5'-GACTCTCCTACTCACCTTGACCCTGGGGGGTTAGGCCAGGACCCTATTATTTCTCTGGAC[G>C]CAACTGCTGCCTCAGCTGTGTGGGTGTCGTCTGAGGCATACACTTCACCTGTCTCTAGGG-3'